The following is an entry in ClinVar:

NM_001375380.1(EBF3):c.1067G>A (p.Gly356Asp)

Gene: EBF3 (EBF transcription factor 3; minus strand). Cytogenetic location: 10q26.3.
Variant type: single nucleotide variant.
Coding change: c.1067G>A on transcript NM_001375380.1 (MANE Select); coding-DNA position 1067, G replaced by A.
Protein change: p.Gly356Asp; replaces glycine 356 with aspartic acid.
Molecular consequence: missense variant.
Genome position (GRCh38, 1-based): chr10:129,848,453, C>T on the plus strand (G>A on the coding strand, the complement: EBF3 is on the minus strand). VCF-style: chr10-129848453-C-T. GRCh37 (hg19) VCF-style: chr10-131646717-C-T.
Other names: c.1040G>A, p.Gly347Asp (NM_001005463.3, NM_001375390.1, NM_001375392.1); c.1067G>A, p.Gly356Asp (NM_001375379.1, NM_001375389.1, NM_001375391.1); c.1040G>A (NM_001005463.2); short protein forms G356D, G347D.
Identifiers: ClinVar variation 1037347 (VCV001037347.10), dbSNP rs1850629434, ClinGen allele CA378722560.
Genomic context (GRCh38, chr10:129,848,453, plus strand): 5'-TTGGGTAACCTTTCGGGATCACCCGGATGTCTTGGGATCACTTTCTGCAACCTCTGAAAG[C>T]CGTAATCTATGGTTGGTTCATTAAGGGCTGCAACAGGACACAGAAATGTAGATCAGGTTA-3'
Protein context (NP_001362309.1, residues 346-366): TALNEPTIDY[Gly356Asp]FQRLQKVIPR

ClinVar aggregate classification (germline): Conflicting classifications of pathogenicity. Review status: criteria provided, conflicting classifications (1 of 4 stars). 2 submissions from 2 submitters: Likely pathogenic (1); Uncertain significance (1). Last evaluated 2024-11-05.

Submissions (2):

GeneDx
Classification: Likely pathogenic. Last evaluated: 2024-11-05. Review status: criteria provided, single submitter. Criteria: GeneDx Variant Classification Process June 2021. Collection method: clinical testing. Allele origin: germline. Affected: yes.
Comment: Not observed at significant frequency in large population cohorts (gnomAD); In silico analysis supports that this missense variant has a deleterious effect on protein structure/function; This variant is associated with the following publications: (PMID: 35340043)

Labcorp Genetics (formerly Invitae), Labcorp
Classification: Uncertain significance. Last evaluated: 2017-12-18. Review status: criteria provided, single submitter. Criteria: Invitae Variant Classification Sherloc (09022015). Collection method: clinical testing. Allele origin: germline.
Comment: In summary, the available evidence is currently insufficient to determine the role of this variant in disease. Therefore, it has been classified as a Variant of Uncertain Significance. Algorithms developed to predict the effect of missense changes on protein structure and function do not agree on the potential impact of this missense change (SIFT: "Deleterious"; PolyPhen-2: "Probably Damaging"; Align-GVGD: "Class C0"). This variant has not been reported in the literature in individuals with EBF3-related disease. This variant is not present in population databases (ExAC no frequency). This sequence change replaces glycine with aspartic acid at codon 347 of the EBF3 protein (p.Gly347Asp). The glycine residue is highly conserved and there is a moderate physicochemical difference between glycine and aspartic acid.